The following is an entry in ClinVar:

ClinVar aggregate classification (germline): Uncertain significance. Review status: criteria provided, multiple submitters, no conflicts (2 of 4 stars). 2 submissions from 2 submitters: Uncertain significance (2). Last evaluated 2024-10-15.

Conditions:
Autosomal recessive nonsyndromic hearing loss 3. Also called: NEUROSENSORY NONSYNDROMIC RECESSIVE DEAFNESS 3. Identifiers: Orphanet 90636, MedGen C1838263, MONDO:0010860, OMIM 600316.

Allele frequency attached by ClinVar (database versions not stated): gnomAD exomes 0.00001; TOPMed 0.00001; ExAC 0.00002.

Submissions (2):

Labcorp Genetics (formerly Invitae), Labcorp
Classification: Uncertain significance. Last evaluated: 2024-10-15. Review status: criteria provided, single submitter. Criteria: Invitae Variant Classification Sherloc (09022015). Collection method: clinical testing. Allele origin: germline.
Comment: This sequence change replaces arginine, which is basic and polar, with cysteine, which is neutral and slightly polar, at codon 2187 of the MYO15A protein (p.Arg2187Cys). This variant is present in population databases (rs770280616, gnomAD 0.01%). This missense change has been observed in individual(s) with hearing loss (PMID: 32860223). ClinVar contains an entry for this variant (Variation ID: 322156). Invitae Evidence Modeling of protein sequence and biophysical properties (such as structural, functional, and spatial information, amino acid conservation, physicochemical variation, residue mobility, and thermodynamic stability) has been performed for this missense variant. However, the output from this modeling did not meet the statistical confidence thresholds required to predict the impact of this variant on MYO15A protein function. In summary, the available evidence is currently insufficient to determine the role of this variant in disease. Therefore, it has been classified as a Variant of Uncertain Significance.

Illumina Laboratory Services, Illumina
Classification: Uncertain significance for Autosomal recessive nonsyndromic hearing loss 3. Last evaluated: 2018-01-12. Review status: criteria provided, single submitter. Criteria: ICSL Variant Classification Criteria 13 December 2019. Collection method: clinical testing. Allele origin: germline.

Literature cited by the submitters: PubMed 32860223 (cited by Labcorp Genetics (formerly Invitae), Labcorp).

NM_016239.4(MYO15A):c.6559C>T (p.Arg2187Cys)

Gene: MYO15A (myosin XVA; plus strand). Cytogenetic location: 17p11.2.
Variant type: single nucleotide variant.
Coding change: c.6559C>T on transcript NM_016239.4 (MANE Select); coding-DNA position 6559, C replaced by T.
Protein change: p.Arg2187Cys; replaces arginine 2187 with cysteine.
Molecular consequence: missense variant.
Genome position (GRCh38, 1-based): chr17:18,148,078, C>T. VCF-style: chr17-18148078-C-T. GRCh37 (hg19) VCF-style: chr17-18051392-C-T.
Other names: short protein forms R2187C.
Identifiers: ClinVar variation 322156 (VCV000322156.7), dbSNP rs770280616, ClinGen allele CA8424622.